The following is an entry in ClinVar:

ClinVar aggregate classification (germline): Pathogenic (1 of 4 stars; one submission).

Conditions:
Legius syndrome. Identifiers: Orphanet 137605, MedGen C1969623, MONDO:0012669, OMIM 611431. Disease mechanism: loss of function.

Submission:

Labcorp Genetics (formerly Invitae), Labcorp
Classification: Pathogenic for Legius syndrome. Last evaluated: 2020-02-11. Review status: criteria provided, single submitter. Criteria: Invitae Variant Classification Sherloc (09022015). Collection method: clinical testing. Allele origin: germline.
Comment: This variant has not been reported in the literature in individuals with SPRED1-related conditions. This variant disrupts the C-terminus of the SPRED1 protein. Other variant(s) that disrupt this region (p.Cys418Alafs*6) have been determined to be pathogenic (PMID: 19920235). This suggests that variants that disrupt this region of the protein are likely to be causative of disease. For these reasons, this variant has been classified as Pathogenic. This variant is not present in population databases (ExAC no frequency). This sequence change results in a premature translational stop signal in the SPRED1 gene (p.Ser411Tyrfs*10). While this is not anticipated to result in nonsense mediated decay, it is expected to disrupt the last 34 amino acids of the SPRED1 protein.

Literature cited by the submitters: PubMed 19920235.

NM_152594.3(SPRED1):c.1232_1241del (p.Ser411fs)

Gene: SPRED1 (sprouty related EVH1 domain containing 1; plus strand). Cytogenetic location: 15q14.
Variant type: Deletion.
Coding change: c.1232_1241del on transcript NM_152594.3 (MANE Select); coding-DNA positions 1232 to 1241, 10 bases deleted (CTTTCATTGT; older notation c.1232_1241delCTTTCATTGT).
Protein change: p.Ser411fs; shifts the reading frame from serine 411.
Molecular consequence: frameshift variant.
Genome position (GRCh38, 1-based): chr15:38,351,561-38,351,570, CTTTCATTGT deleted; deleting any 10 consecutive bases within chr15:38,351,557-38,351,570 gives the same sequence; the c. name uses the placement nearest the transcript's 3' end. VCF-style (leftmost placement, unchanged base first): chr15-38351556-TTTGTCTTTCA-T. GRCh37 (hg19) VCF-style: chr15-38643757-TTTGTCTTTCA-T.
Other names: short protein forms S411fs.
Identifiers: ClinVar variation 1068652 (VCV001068652.10), dbSNP rs2141016685, ClinGen allele CA2499222899.